The following is an entry in ClinVar:

NM_020949.3(SLC7A14):c.25G>T (p.Asp9Tyr)

Genes: SLC7A14 (solute carrier family 7 member 14; minus strand), SLC7A14-AS1 (SLC7A14 antisense RNA 1; plus strand). Cytogenetic location: 3q26.2.
Variant type: single nucleotide variant.
Coding change: c.25G>T on transcript NM_020949.3 (MANE Select); coding-DNA position 25, G replaced by T.
Protein change: p.Asp9Tyr; replaces aspartic acid 9 with tyrosine.
Molecular consequence: missense variant.
Genome position (GRCh38, 1-based): chr3:170,526,912, C>A on the plus strand (G>T on the coding strand, the complement: SLC7A14 is on the minus strand). VCF-style: chr3-170526912-C-A. GRCh37 (hg19) VCF-style: chr3-170244701-C-A.
Other names: short protein forms D9Y.
Identifiers: ClinVar variation 1519270 (VCV001519270.8), dbSNP rs776300686, ClinGen allele CA355520382.

ClinVar aggregate classification (germline): Uncertain significance (1 of 4 stars; one submission).

Submission:

Labcorp Genetics (formerly Invitae), Labcorp
Classification: Uncertain significance. Last evaluated: 2024-04-29. Review status: criteria provided, single submitter. Criteria: Invitae Variant Classification Sherloc (09022015). Collection method: clinical testing. Allele origin: germline.
Comment: This sequence change replaces aspartic acid, which is acidic and polar, with tyrosine, which is neutral and polar, at codon 9 of the SLC7A14 protein (p.Asp9Tyr). This variant is not present in population databases (gnomAD no frequency). This variant has not been reported in the literature in individuals affected with SLC7A14-related conditions. ClinVar contains an entry for this variant (Variation ID: 1519270). An algorithm developed to predict the effect of missense changes on protein structure and function (PolyPhen-2) suggests that this variant is likely to be disruptive. In summary, the available evidence is currently insufficient to determine the role of this variant in disease. Therefore, it has been classified as a Variant of Uncertain Significance.